The following is an entry in ClinVar:

NM_014305.4(TGDS):c.696C>G (p.Phe232Leu)

Gene: TGDS (TDP-glucose 4,6-dehydratase; minus strand). Cytogenetic location: 13q32.1.
Variant type: single nucleotide variant.
Coding change: c.696C>G on transcript NM_014305.4 (MANE Select); coding-DNA position 696, C replaced by G.
Protein change: p.Phe232Leu; replaces phenylalanine 232 with leucine.
Molecular consequence: missense variant. On other transcripts: non-coding transcript variant (2).
Genome position (GRCh38, 1-based): chr13:94,578,134, G>C on the plus strand (C>G on the coding strand, the complement: TGDS is on the minus strand). VCF-style: chr13-94578134-G-C. GRCh37 (hg19) VCF-style: chr13-95230388-G-C.
Other names: c.600C>G, p.Phe200Leu (NM_001304430.2); short protein forms F200L, F232L.
Identifiers: ClinVar variation 5019729 (VCV005019729.2).
Genomic context (GRCh38, chr13:94,578,134, plus strand): 5'-ACCTGGTTTCCCTTTTTTGAGGACAGTGAGAAATGCTTCTACAACATCAGTAGCATAAAG[G>C]AAGTTTCTTGTTTGAAGCCCTGACCCATGAATGCAACTAAAGAGATTAAACGAAGTGAAA-3'
Protein context (NP_055120.1, residues 222-242): IHGSGLQTRN[Phe232Leu]LYATDVVEAF

ClinVar aggregate classification (germline): Uncertain significance (1 of 4 stars; one submission).

Conditions:
Catel-Manzke syndrome. Also called: MICROGNATHIA DIGITAL SYNDROME; PIERRE ROBIN SYNDROME WITH HYPERPHALANGY AND CLINODACTYLY; HYPERPHALANGY-CLINODACTYLY OF INDEX FINGER WITH PIERRE ROBIN SYNDROME; INDEX FINGER ANOMALY WITH PIERRE ROBIN SYNDROME. Identifiers: Orphanet 1388, MedGen C1844887, MONDO:0014507, OMIM 616145.

Submission:

Juno Genomics, Hangzhou Juno Genomics, Inc
Classification: Uncertain significance for Catel-Manzke syndrome. Review status: criteria provided, single submitter. Criteria: ACMG Guidelines, 2015. Collection method: clinical testing. Allele origin: germline.
Comment: Absent from controls (or at extremely low frequency if recessive) in Genome Aggregation Database.;Multiple lines of computational evidence support a deleterious effect on the gene or gene product.